The following is an entry in ClinVar:

ClinVar aggregate classification (germline): Uncertain significance (1 of 4 stars; one submission).

Submission:

GeneDx
Classification: Uncertain significance. Last evaluated: 2022-09-14. Review status: criteria provided, single submitter. Criteria: GeneDx Variant Classification Process June 2021. Collection method: clinical testing. Allele origin: germline. Affected: yes.
Comment: Not observed at significant frequency in large population cohorts (gnomAD); In silico analysis supports that this missense variant has a deleterious effect on protein structure/function; Has not been previously published as pathogenic or benign to our knowledge

NM_006766.5(KAT6A):c.871G>A (p.Glu291Lys)

Gene: KAT6A (lysine acetyltransferase 6A; minus strand). Cytogenetic location: 8p11.21.
Variant type: single nucleotide variant.
Coding change: c.871G>A on transcript NM_006766.5 (MANE Select); coding-DNA position 871, G replaced by A.
Protein change: p.Glu291Lys; replaces glutamic acid 291 with lysine.
Molecular consequence: missense variant.
Genome position (GRCh38, 1-based): chr8:41,980,882, C>T on the plus strand (G>A on the coding strand, the complement: KAT6A is on the minus strand). VCF-style: chr8-41980882-C-T. GRCh37 (hg19) VCF-style: chr8-41838400-C-T.
Other names: c.871G>A, p.Glu291Lys (NM_001305878.2); short protein forms E291K.
Identifiers: ClinVar variation 2444697 (VCV002444697.1), dbSNP rs2486822107, ClinGen allele CA371173669.